The following is an entry in ClinVar:

ClinVar aggregate classification (germline): Likely pathogenic. Review status: criteria provided, multiple submitters, no conflicts (2 of 4 stars). 3 submissions from 3 submitters: Likely pathogenic (2). 1 of the submissions does not count toward it. Last evaluated 2025-10-26.

Conditions:
Dilated cardiomyopathy 1L (CMD1L). Identifiers: Orphanet 154, MedGen C1847667, MONDO:0011702, OMIM 606685.
Autosomal recessive limb-girdle muscular dystrophy type 2F (LGMDR6). Also called: Muscular dystrophy limb-girdle with delta-sarcoglyan deficiency; MUSCULAR DYSTROPHY, LIMB-GIRDLE, AUTOSOMAL RECESSIVE 6. Identifiers: Orphanet 219, MedGen C1832525, MONDO:0011028, OMIM 601287. Disease mechanism: Affects gamma-sarcoglycan and also disrupts the integrity of the entire sarcoglycan complex..

Allele frequency attached by ClinVar (database versions not stated): gnomAD exomes below 0.00001.
gnomAD v4.1: 2 of 1,597,594 alleles (0.00013%); highest among the groups gnomAD compares: Non-Finnish European, 0.00017%; no homozygotes.

Submissions (3):

Labcorp Genetics (formerly Invitae), Labcorp
Classification: Likely pathogenic for Autosomal recessive limb-girdle muscular dystrophy type 2F. Last evaluated: 2025-10-26. Review status: criteria provided, single submitter. Criteria: Invitae Variant Classification Sherloc (09022015). Collection method: clinical testing. Allele origin: germline.
Comment: This sequence change affects a donor splice site in intron 3 of the SGCD gene. It is expected to disrupt RNA splicing. Variants that disrupt the donor or acceptor splice site typically lead to a loss of protein function (PMID: 16199547), and loss-of-function variants in SGCD are known to be pathogenic (PMID: 8841194, 10735275, 10838250). This variant is present in population databases (no rsID available, gnomAD 0.0009%). This variant has not been reported in the literature in individuals affected with SGCD-related conditions. ClinVar contains an entry for this variant (Variation ID: 551052). Algorithms developed to predict the effect of sequence changes on RNA splicing suggest that this variant may disrupt the consensus splice site. In summary, the currently available evidence indicates that the variant is pathogenic, but additional data are needed to prove that conclusively. Therefore, this variant has been classified as Likely Pathogenic.

Genome-Nilou Lab
Classification: Likely pathogenic for Autosomal recessive limb-girdle muscular dystrophy type 2F. Last evaluated: 2023-02-08. Review status: criteria provided, single submitter. Criteria: ACMG Guidelines, 2015. Collection method: clinical testing. Allele origin: germline.

Counsyl
Classification: Likely pathogenic for Dilated cardiomyopathy 1L; Autosomal recessive limb-girdle muscular dystrophy type 2F. Last evaluated: 2017-03-14. Review status: no assertion criteria provided. Collection method: clinical testing. Allele origin: unknown. Not counted in ClinVar's aggregate classification.

Literature cited by the submitters: PubMed 16199547 (cited by Labcorp Genetics (formerly Invitae), Labcorp); PubMed 8841194 (cited by Labcorp Genetics (formerly Invitae), Labcorp); PubMed 10735275 (cited by Labcorp Genetics (formerly Invitae), Labcorp); PubMed 10838250 (cited by Labcorp Genetics (formerly Invitae), Labcorp).

NM_000337.6(SGCD):c.192+1G>A

Gene: SGCD (sarcoglycan delta; plus strand). Cytogenetic location: 5q33.3.
Variant type: single nucleotide variant.
Coding change: c.192+1G>A on transcript NM_000337.6 (MANE Select); the canonical splice donor site of the intron after coding-DNA position 192, G replaced by A.
Molecular consequence: splice donor variant.
Genome position (GRCh38, 1-based): chr5:156,344,678, G>A. VCF-style: chr5-156344678-G-A. GRCh37 (hg19) VCF-style: chr5-155771688-G-A.
Other names: c.189+1G>A (NM_001128209.2); c.192+1G>A (NM_172244.3).
Identifiers: ClinVar variation 551052 (VCV000551052.8), dbSNP rs1267810339, ClinGen allele CA362007893.